The following is an entry in ClinVar:

NM_000391.4(TPP1):c.958G>A (p.Val320Met)

Gene: TPP1 (tripeptidyl peptidase 1; minus strand). Cytogenetic location: 11p15.4.
Variant type: single nucleotide variant.
Coding change: c.958G>A on transcript NM_000391.4 (MANE Select); coding-DNA position 958, G replaced by A.
Protein change: p.Val320Met; replaces valine 320 with methionine.
Molecular consequence: missense variant.
Genome position (GRCh38, 1-based): chr11:6,616,432, C>T on the plus strand (G>A on the coding strand, the complement: TPP1 is on the minus strand). VCF-style: chr11-6616432-C-T. GRCh37 (hg19) VCF-style: chr11-6637663-C-T.
Other names: short protein forms V320M.
Identifiers: ClinVar variation 1767474 (VCV001767474.5), dbSNP rs1360243655, ClinGen allele CA379474398.
Genomic context (GRCh38, chr11:6,616,432, plus strand): 5'-CCCGCTGGATGTAGGCGCTGCTGAGGGAGTCCTCATCATCTCCATAGCTCACAGTATGCA[C>T]ATGTGGCAGGGCTGACTCATTACTGAGCAGCATGAGCCACTGCAGGAAGGGCTCCTGTCC-3'
Protein context (NP_000382.3, residues 310-330): LLSNESALPH[Val320Met]HTVSYGDDED

ClinVar aggregate classification (germline): Uncertain significance. Review status: criteria provided, multiple submitters, no conflicts (2 of 4 stars). 3 submissions from 3 submitters: Uncertain significance (2). 1 of the submissions does not count toward it. Last evaluated 2023-03-17.

Conditions:
Inborn genetic diseases. Identifiers: MedGen C0950123, MeSH D030342.
Neuronal ceroid lipofuscinosis 2. Also called: TPP1-Related Neuronal Ceroid-Lipofuscinosis; JANSKY-BIELSCHOWSKY DISEASE NEURONAL CEROID LIPOFUSCINOSIS, LATE INFANTILE. Identifiers: Orphanet 168491, Orphanet 228349, Orphanet 79264, MedGen C1876161, MONDO:0008769, OMIM 204500.

Allele frequency attached by ClinVar (database versions not stated): gnomAD exomes below 0.00001; TOPMed below 0.00001.

Submissions (3):

Revvity Omics, Revvity
Classification: Uncertain significance. Last evaluated: 2023-03-17. Review status: criteria provided, single submitter. Criteria: ACMG Guidelines, 2015. Collection method: clinical testing. Allele origin: germline.

Ambry Genetics
Classification: Uncertain significance for Inborn genetic diseases. Last evaluated: 2019-10-21. Review status: criteria provided, single submitter. Criteria: Ambry Variant Classification Scheme 2023. Collection method: clinical testing. Allele origin: germline.
Comment: The p.V320M variant (also known as c.958G>A), located in coding exon 8 of the TPP1 gene, results from a G to A substitution at nucleotide position 958. The valine at codon 320 is replaced by methionine, an amino acid with highly similar properties. This amino acid position is highly conserved in available vertebrate species. In addition, the in silico prediction for this alteration is inconclusive. Since supporting evidence is limited at this time, the clinical significance of this alteration remains unclear.

Natera, Inc.
Classification: Uncertain significance for Neuronal ceroid lipofuscinosis 2. Last evaluated: 2025-03-27. Review status: no assertion criteria provided. Collection method: clinical testing. Allele origin: germline. Not counted in ClinVar's aggregate classification.